The following is an entry in ClinVar:

NM_025179.4(PLXNA2):c.2455C>T (p.Arg819Trp)

Gene: PLXNA2 (plexin A2; minus strand). Cytogenetic location: 1q32.2.
Variant type: single nucleotide variant.
Coding change: c.2455C>T on transcript NM_025179.4 (MANE Select); coding-DNA position 2455, C replaced by T.
Protein change: p.Arg819Trp; replaces arginine 819 with tryptophan.
Molecular consequence: missense variant.
Genome position (GRCh38, 1-based): chr1:208,079,391, G>A on the plus strand (C>T on the coding strand, the complement: PLXNA2 is on the minus strand). VCF-style: chr1-208079391-G-A. GRCh37 (hg19) VCF-style: chr1-208252736-G-A.
Other names: c.2455C>T (NM_025179.3); short protein forms R819W.
Identifiers: ClinVar variation 2171145 (VCV002171145.8), dbSNP rs533963210, ClinGen allele CA1373508.

ClinVar aggregate classification (germline): Uncertain significance. Review status: criteria provided, multiple submitters, no conflicts (2 of 4 stars). 3 submissions from 3 submitters: Uncertain significance (3). Last evaluated 2026-04-20.

Conditions:
PLXNA2-related disorder. Also called: PLXNA2-related condition.

Allele frequency attached by ClinVar (database versions not stated): gnomAD 0.00006; ExAC 0.00007; TOPMed 0.00008; 1000 Genomes Project 0.00020; 1000 Genomes Project 30x 0.00031.
gnomAD v4.1: 41 of 1,613,490 alleles (0.0025%); highest among the groups gnomAD compares: East Asian, 0.031%; no homozygotes.

Submissions (3):

PreventionGenetics, part of Exact Sciences
Classification: Uncertain significance for PLXNA2-related condition. Last evaluated: 2026-04-20. Review status: criteria provided, single submitter. Criteria: ACMG Guidelines, 2015. Collection method: clinical testing. Allele origin: germline.
Comment: The PLXNA2 c.2455C>T variant is predicted to result in the amino acid substitution p.Arg819Trp. To our knowledge, this variant has not been reported in the literature. This variant is reported in 0.076% of alleles in individuals of East Asian descent in gnomAD, which may be too frequent to be a primary cause of disease. Although we suspect that this variant may be benign, at this time, the clinical significance of this variant is uncertain due to the absence of conclusive functional and genetic evidence.

Ambry Genetics
Classification: Uncertain significance. Last evaluated: 2025-04-14. Review status: criteria provided, single submitter. Criteria: Ambry Variant Classification Scheme 2023. Collection method: clinical testing. Allele origin: germline.

Labcorp Genetics (formerly Invitae), Labcorp
Classification: Uncertain significance. Last evaluated: 2025-01-06. Review status: criteria provided, single submitter. Criteria: Invitae Variant Classification Sherloc (09022015). Collection method: clinical testing. Allele origin: germline.
Comment: This sequence change replaces arginine, which is basic and polar, with tryptophan, which is neutral and slightly polar, at codon 819 of the PLXNA2 protein (p.Arg819Trp). This variant is present in population databases (rs533963210, gnomAD 0.08%), and has an allele count higher than expected for a pathogenic variant. This variant has not been reported in the literature in individuals affected with PLXNA2-related conditions. ClinVar contains an entry for this variant (Variation ID: 2171145). Invitae Evidence Modeling of protein sequence and biophysical properties (such as structural, functional, and spatial information, amino acid conservation, physicochemical variation, residue mobility, and thermodynamic stability) indicates that this missense variant is not expected to disrupt PLXNA2 protein function with a negative predictive value of 80%. In summary, the available evidence is currently insufficient to determine the role of this variant in disease. Therefore, it has been classified as a Variant of Uncertain Significance.